The following is an entry in ClinVar:

ClinVar aggregate classification (germline): Uncertain significance (1 of 4 stars; one submission).

Conditions:
Retinoblastoma (RB1). Also called: RETINOBLASTOMA, SOMATIC. Identifiers: Orphanet 790, MedGen C0035335, MeSH D012175, MONDO:0008380, OMIM 180200, HP:0009919. Disease mechanism: loss of function. Inheritance: Both sporadic and heritable forms are tested..

Submission:

Labcorp Genetics (formerly Invitae), Labcorp
Classification: Uncertain significance for Retinoblastoma. Last evaluated: 2025-08-06. Review status: criteria provided, single submitter. Criteria: Invitae Variant Classification Sherloc (09022015). Collection method: clinical testing. Allele origin: germline.
Comment: This variant, c.160_162del, results in the deletion of 1 amino acid(s) of the RB1 protein (p.Glu54del), but otherwise preserves the integrity of the reading frame. This variant is not present in population databases (gnomAD no frequency). This variant has not been reported in the literature in individuals affected with RB1-related conditions. ClinVar contains an entry for this variant (Variation ID: 935662). Experimental studies and prediction algorithms are not available or were not evaluated, and the functional significance of this variant is currently unknown. In summary, the available evidence is currently insufficient to determine the role of this variant in disease. Therefore, it has been classified as a Variant of Uncertain Significance.

NM_000321.3(RB1):c.157GAA[1] (p.Glu54del)

Gene: RB1 (RB transcriptional corepressor 1; plus strand). Cytogenetic location: 13q14.2.
Variant type: Microsatellite.
Coding change: c.157GAA[1] on transcript NM_000321.3 (MANE Select); one copy of the 3-base unit GAA starting at c.157; the reference has two copies in a row; one copy, 3 bases deleted.
Protein change: p.Glu54del; deletes glutamic acid 54.
Molecular consequence: inframe deletion.
Genome position (GRCh38, 1-based): chr13:48,307,302-48,307,304, GAA deleted; deleting any 3 consecutive bases within chr13:48,307,298-48,307,304 gives the same sequence; the position shown is the placement nearest the transcript's 3' end. VCF-style (leftmost placement, unchanged base first): chr13-48307297-CAGA-C. GRCh37 (hg19) VCF-style: chr13-48881433-CAGA-C.
Other names: short protein forms E54del.
Identifiers: ClinVar variation 935662 (VCV000935662.9), dbSNP rs1952089186, ClinGen allele CA2089953522.
Genomic context (GRCh38, chr13:48,307,297, plus strand): 5'-TTTATAAGTATATGCCAATTATATGATTATTTTCATTTGGTAGGCTTGAGTTTGAAGAAA[CAGA>C]AGAACCTGATTTTACTGCATTATGTCAGAAATTAAAGATACCAGATCATGTCAGAGAGAG-3'